The following is an entry in ClinVar:

NM_000322.5(PRPH2):c.527A>T (p.Glu176Val)

Gene: PRPH2 (peripherin 2; minus strand). Cytogenetic location: 6p21.1.
Variant type: single nucleotide variant.
Coding change: c.527A>T on transcript NM_000322.5 (MANE Select); coding-DNA position 527, A replaced by T.
Protein change: p.Glu176Val; replaces glutamic acid 176 with valine.
Molecular consequence: missense variant.
Genome position (GRCh38, 1-based): chr6:42,721,808, T>A on the plus strand (A>T on the coding strand, the complement: PRPH2 is on the minus strand). VCF-style: chr6-42721808-T-A. GRCh37 (hg19) VCF-style: chr6-42689546-T-A.
Other names: short protein forms E176V.
Identifiers: ClinVar variation 1370637 (VCV001370637.7), dbSNP rs1761906163, ClinGen allele CA364137358.

ClinVar aggregate classification (germline): Uncertain significance. Review status: criteria provided, single submitter (1 of 4 stars). 2 submissions from 2 submitters: Uncertain significance (1). 1 of the submissions does not count toward it. Last evaluated 2021-07-28.

Conditions:
PRPH2-related disorder. Also called: PRPH2-related disorders; PRPH2-related condition. Identifiers: MedGen CN239395.
Retinal dystrophy. Also called: Inherited retinal dystrophy. Identifiers: Orphanet 71862, MedGen C0854723, MeSH D058499, MONDO:0019118, HP:0000556.

Allele frequency attached by ClinVar (database versions not stated): gnomAD exomes below 0.00001; TOPMed 0.00001.
gnomAD v4.1: 8 of 1,614,184 alleles (0.0005%); highest among the groups gnomAD compares: Non-Finnish European, 0.00051%; no homozygotes.

Submissions (2):

Labcorp Genetics (formerly Invitae), Labcorp
Classification: Uncertain significance for PRPH2-related disorder. Last evaluated: 2021-07-28. Review status: criteria provided, single submitter. Criteria: Invitae Variant Classification Sherloc (09022015). Collection method: clinical testing. Allele origin: germline.
Comment: In summary, the available evidence is currently insufficient to determine the role of this variant in disease. Therefore, it has been classified as a Variant of Uncertain Significance. Advanced modeling of protein sequence and biophysical properties (such as structural, functional, and spatial information, amino acid conservation, physicochemical variation, residue mobility, and thermodynamic stability) performed at Invitae indicates that this missense variant is expected to disrupt PRPH2 protein function. This variant has not been reported in the literature in individuals affected with PRPH2-related conditions. This variant is not present in population databases (ExAC no frequency). This sequence change replaces glutamic acid with valine at codon 176 of the PRPH2 protein (p.Glu176Val). The glutamic acid residue is highly conserved and there is a moderate physicochemical difference between glutamic acid and valine.

Institute of Human Genetics, Univ. Regensburg, Univ. Regensburg
Classification: Uncertain significance for Retinal dystrophy. Last evaluated: 2022-01-01. Review status: no assertion criteria provided. Criteria: ACMG Guidelines, 2015. Collection method: clinical testing. Allele origin: germline. Affected: yes. Not counted in ClinVar's aggregate classification.